The following is an entry in ClinVar:

NM_173560.4(RFX6):c.1984G>T (p.Ala662Ser)

Gene: RFX6 (regulatory factor X6; plus strand). Cytogenetic location: 6q22.1.
Variant type: single nucleotide variant.
Coding change: c.1984G>T on transcript NM_173560.4 (MANE Select); coding-DNA position 1984, G replaced by T.
Protein change: p.Ala662Ser; replaces alanine 662 with serine.
Molecular consequence: missense variant.
Genome position (GRCh38, 1-based): chr6:116,927,125, G>T. VCF-style: chr6-116927125-G-T. GRCh37 (hg19) VCF-style: chr6-117248288-G-T.
Other names: short protein forms A662S.
Identifiers: ClinVar variation 3367262 (VCV003367262.1).

ClinVar aggregate classification (germline): Uncertain significance (1 of 4 stars; one submission).

gnomAD v4.1: 3 of 1,614,126 alleles (0.00019%); highest among the groups gnomAD compares: South Asian, 0.0011%; no homozygotes.

Submission:

GeneDx
Classification: Uncertain significance. Last evaluated: 2023-12-27. Review status: criteria provided, single submitter. Criteria: GeneDx Variant Classification Process June 2021. Collection method: clinical testing. Allele origin: germline. Affected: yes.
Comment: Not observed at significant frequency in large population cohorts (gnomAD); In silico analysis supports that this missense variant does not alter protein structure/function; Has not been previously published as pathogenic or benign to our knowledge